The following is an entry in ClinVar:

ClinVar aggregate classification (germline): Uncertain significance (1 of 4 stars; one submission).

Submission:

GeneDx
Classification: Uncertain significance. Last evaluated: 2025-03-20. Review status: criteria provided, single submitter. Criteria: GeneDx Variant Classification Process June 2021. Collection method: clinical testing. Allele origin: germline. Affected: yes.
Comment: Not observed at significant frequency in large population cohorts (gnomAD); Has not been previously published as pathogenic or benign to our knowledge; Nonsense variant predicted to result in protein truncation or nonsense mediated decay in a gene for which loss-of-function is not a known mechanism of disease

NM_003476.5(CSRP3):c.16G>T (p.Gly6Ter)

Gene: CSRP3 (cysteine and glycine rich protein 3; minus strand). Cytogenetic location: 11p15.1.
Variant type: single nucleotide variant.
Coding change: c.16G>T on transcript NM_003476.5 (MANE Select); coding-DNA position 16, G replaced by T.
Protein change: p.Gly6Ter; replaces glycine 6 with a stop codon.
Molecular consequence: nonsense.
Genome position (GRCh38, 1-based): chr11:19,192,433, C>A on the plus strand (G>T on the coding strand, the complement: CSRP3 is on the minus strand). VCF-style: chr11-19192433-C-A. GRCh37 (hg19) VCF-style: chr11-19213980-C-A.
Other names: c.16G>T, p.Gly6Ter (NM_001369404.1); short protein forms G6*.
Identifiers: ClinVar variation 4086336 (VCV004086336.1).
Genomic context (GRCh38, chr11:19,192,433, plus strand): 5'-TGCACTGGATTTCTTCTGCATGGTAGACGGTCTTTTCACAGGCTCCACATTTTGCGCCTC[C>A]GCCCCAGTTTGGCATCTTGAAGACTATCTGGTCAAGGTCAAGTCTAAGGGGACATAAAGC-3'